The following is an entry in ClinVar:

NM_003803.4(MYOM1):c.192G>T (p.Ala64=)

Gene: MYOM1 (myomesin 1; minus strand). Cytogenetic location: 18p11.31.
Variant type: single nucleotide variant.
Coding change: c.192G>T on transcript NM_003803.4 (MANE Select); coding-DNA position 192, G replaced by T.
Protein change: p.Ala64=; no amino-acid change (alanine 64 retained).
Molecular consequence: synonymous variant.
Genome position (GRCh38, 1-based): chr18:3,215,032, C>A on the plus strand (G>T on the coding strand, the complement: MYOM1 is on the minus strand). VCF-style: chr18-3215032-C-A. GRCh37 (hg19) VCF-style: chr18-3215030-C-A.
Other names: c.192G>T, p.Ala64= (NM_019856.2).
Identifiers: ClinVar variation 226808 (VCV000226808.21), dbSNP rs9964300, ClinGen allele CA8875329.

ClinVar aggregate classification (germline): Benign/Likely benign. Review status: criteria provided, multiple submitters, no conflicts (2 of 4 stars). 5 submissions from 5 submitters: Benign (4); Likely benign (1). Last evaluated 2026-02-03.

Conditions:
Hypertrophic cardiomyopathy. Also called: HYPERTROPHIC MYOCARDIOPATHY. Identifiers: Orphanet 217569, MedGen C0007194, MeSH D002312, MONDO:0005045, HP:0001639.

Allele frequency attached by ClinVar (database versions not stated): gnomAD exomes 0.06307; ExAC 0.06535; 1000 Genomes Project 0.07308; ESP Exome Variant Server 0.07600; 1000 Genomes Project 30x 0.07854; TOPMed 0.08001.
gnomAD v4.1: 100,725 of 1,612,418 alleles (6.2%); highest among the groups gnomAD compares: African/African-American, 13%; 3,559 homozygotes.

Submissions (5):

Labcorp Genetics (formerly Invitae), Labcorp
Classification: Benign for Hypertrophic cardiomyopathy. Last evaluated: 2026-02-03. Review status: criteria provided, single submitter. Criteria: Invitae Variant Classification Sherloc (09022015). Collection method: clinical testing. Allele origin: germline.

Ambry Genetics
Classification: Likely benign. Last evaluated: 2022-05-17. Review status: criteria provided, single submitter. Criteria: Ambry Variant Classification Scheme 2023. Collection method: clinical testing. Allele origin: germline.

GeneDx
Classification: Benign. Last evaluated: 2019-05-06. Review status: criteria provided, single submitter. Criteria: GeneDx Variant Classification Process June 2021. Collection method: clinical testing. Allele origin: germline. Affected: yes.

Laboratory for Molecular Medicine, Mass General Brigham Personalized Medicine
Classification: Benign. Last evaluated: 2014-11-24. Review status: criteria provided, single submitter. Criteria: LMM Criteria. Collection method: clinical testing. Allele origin: germline. Observed: 62 variant alleles.
Comment: Ala64Ala in exon 2 of MYOM1: This variant is not expected to have clinical signi ficance because it does not alter an amino acid residue and is not located withi n the splice consensus sequence. It has been identified in 11.6% (473/4072) of A frican American chromosomes from a broad population by the NHLBI Exome Sequencin g Project (dbSNP rs9964300).

Breakthrough Genomics
Classification: Benign. Review status: criteria provided, single submitter. Criteria: ACMG Guidelines, 2015. Collection method: not provided. Allele origin: germline. Inheritance: Unknown mechanism. Affected: yes.